The following is an entry in ClinVar:

ClinVar aggregate classification (germline): Uncertain significance (1 of 4 stars; one submission).

Allele frequency attached by ClinVar (database versions not stated): gnomAD exomes below 0.00001.
gnomAD v4.1: 1 of 1,613,760 alleles (0.000062%); highest among the groups gnomAD compares: Non-Finnish European, 0.000085%; no homozygotes.

Submission:

Labcorp Genetics (formerly Invitae), Labcorp
Classification: Uncertain significance. Last evaluated: 2022-12-15. Review status: criteria provided, single submitter. Criteria: Invitae Variant Classification Sherloc (09022015). Collection method: clinical testing. Allele origin: germline.
Comment: In summary, the available evidence is currently insufficient to determine the role of this variant in disease. Therefore, it has been classified as a Variant of Uncertain Significance. Algorithms developed to predict the effect of missense changes on protein structure and function are either unavailable or do not agree on the potential impact of this missense change (SIFT: "Not Available"; PolyPhen-2: "Probably Damaging"; Align-GVGD: "Not Available"). This variant has not been reported in the literature in individuals affected with IKZF1-related conditions. This variant is not present in population databases (gnomAD no frequency). This sequence change replaces valine, which is neutral and non-polar, with glycine, which is neutral and non-polar, at codon 451 of the IKZF1 protein (p.Val451Gly).

NM_006060.6(IKZF1):c.1352T>G (p.Val451Gly)

Gene: IKZF1 (IKAROS family zinc finger 1; plus strand). Cytogenetic location: 7p12.2.
Variant type: single nucleotide variant.
Coding change: c.1352T>G on transcript NM_006060.6 (MANE Select); coding-DNA position 1352, T replaced by G.
Protein change: p.Val451Gly; replaces valine 451 with glycine.
Molecular consequence: missense variant.
Genome position (GRCh38, 1-based): chr7:50,400,419, T>G. VCF-style: chr7-50400419-T-G. GRCh37 (hg19) VCF-style: chr7-50468117-T-G.
Other names: c.1226T>G, p.Val409Gly (NM_001220765.3, NM_001291837.2); c.1061T>G, p.Val354Gly (NM_001220767.2); c.1091T>G, p.Val364Gly (NM_001220768.2, NM_001291838.2); c.935T>G, p.Val312Gly (NM_001220770.2); c.923T>G, p.Val308Gly (NM_001220771.2, NM_001291841.1); c.965T>G, p.Val322Gly (NM_001291839.2); c.662T>G, p.Val221Gly (NM_001291840.1); c.893T>G, p.Val298Gly (NM_001291842.1); and 3 more; short protein forms V221G, V256G, V322G, V266G, V312G, V409G, V298G, V308G.
Identifiers: ClinVar variation 2820797 (VCV002820797.3), dbSNP rs2153519353, ClinGen allele CA367524966.